The following is an entry in ClinVar:

ClinVar aggregate classification (germline): Pathogenic (1 of 4 stars; one submission).

Conditions:
Gorlin syndrome. Also called: Nevoid Basal Cell Carcinoma Syndrome; Basal cell nevus syndrome. Identifiers: Orphanet 377, MedGen C0004779, MONDO:0007187.

Submission:

Labcorp Genetics (formerly Invitae), Labcorp
Classification: Pathogenic for Gorlin syndrome. Last evaluated: 2021-01-31. Review status: criteria provided, single submitter. Criteria: Invitae Variant Classification Sherloc (09022015). Collection method: clinical testing. Allele origin: germline.
Comment: For these reasons, this variant has been classified as Pathogenic. This variant has not been reported in the literature in individuals with PTCH1-related conditions. This variant is not present in population databases (ExAC no frequency). This sequence change creates a premature translational stop signal (p.Leu1062Aspfs*82) in the PTCH1 gene. It is expected to result in an absent or disrupted protein product. Loss-of-function variants in PTCH1 are known to be pathogenic (PMID: 16301862, 16419085).

Literature cited by the submitters: PubMed 16301862; PubMed 16419085.

NM_000264.5(PTCH1):c.3184_3185del (p.Leu1062fs)

Gene: PTCH1 (patched 1; minus strand). Cytogenetic location: 9q22.32.
Variant type: Deletion.
Coding change: c.3184_3185del on transcript NM_000264.5 (MANE Select); coding-DNA positions 3184 to 3185, 2 bases deleted (CT; older notation c.3184_3185delCT).
Protein change: p.Leu1062fs; shifts the reading frame from leucine 1062.
Molecular consequence: frameshift variant. On other transcripts: non-coding transcript variant (1).
Genome position (GRCh38, 1-based): chr9:95,456,397-95,456,398, AG deleted on the plus strand (CT on the coding strand, the reverse complement: PTCH1 is on the minus strand). VCF-style (leftmost placement, unchanged base first): chr9-95456396-CAG-C. GRCh37 (hg19) VCF-style: chr9-98218678-CAG-C.
Other names: c.2986_2987del, p.Leu996fs (NM_001083602.3); c.3181_3182del, p.Leu1061fs (NM_001083603.3); c.2731_2732del, p.Leu911fs (NM_001083604.3, NM_001083605.3, NM_001083606.3 and 1 more transcripts); c.3028_3029del, p.Leu1010fs (NM_001354918.2); short protein forms L996fs, L1062fs, L911fs, L1010fs, L1061fs.
Identifiers: ClinVar variation 1405255 (VCV001405255.6), dbSNP rs2136650202, ClinGen allele CA2573144894.